The following is an entry in ClinVar:

NM_000049.4(ASPA):c.25G>T (p.Glu9Ter)

Genes: ASPA (aspartoacylase; plus strand), SPATA22 (spermatogenesis associated 22; minus strand). Cytogenetic location: 17p13.2.
Variant type: single nucleotide variant.
Coding change: c.25G>T on transcript NM_000049.4 (MANE Select); coding-DNA position 25, G replaced by T.
Protein change: p.Glu9Ter; replaces glutamic acid 9 with a stop codon.
Molecular consequence: nonsense. On other transcripts: intron variant (2).
Genome position (GRCh38, 1-based): chr17:3,476,184, G>T. VCF-style: chr17-3476184-G-T. GRCh37 (hg19) VCF-style: chr17-3379478-G-T.
Other names: c.25G>T, p.Glu9Ter (NM_001128085.1); c.-73-6786C>A (NM_001321336.2, NM_001321337.2); short protein forms E9*.
Identifiers: ClinVar variation 2119193 (VCV002119193.4), dbSNP rs1483554951, ClinGen allele CA397681048.
Genomic context (GRCh38, chr17:3,476,184, plus strand): 5'-TGAATTGCAGAAATCAGATAAAAACTACTTGGTGAAATGACTTCTTGTCACATTGCTGAA[G>T]AACATATACAAAAGGTTGCTATCTTTGGAGGAACCCATGGGAATGAGCTAACCGGAGTAT-3'

ClinVar aggregate classification (germline): Pathogenic (1 of 4 stars; one submission).

Conditions:
Spongy degeneration of central nervous system. Also called: ACY2 DEFICIENCY; AMINOACYLASE 2 DEFICIENCY; ASP DEFICIENCY; ASPA DEFICIENCY; ASPARTOACYLASE DEFICIENCY; CANAVAN-VAN BOGAERT-BERTRAND DISEASE. Identifiers: Orphanet 141, MedGen C0206307, MONDO:0010079, OMIM 271900.

Submission:

Labcorp Genetics (formerly Invitae), Labcorp
Classification: Pathogenic for Spongy degeneration of central nervous system. Last evaluated: 2022-03-29. Review status: criteria provided, single submitter. Criteria: Invitae Variant Classification Sherloc (09022015). Collection method: clinical testing. Allele origin: germline.
Comment: This sequence change creates a premature translational stop signal (p.Glu9*) in the ASPA gene. It is expected to result in an absent or disrupted protein product. Loss-of-function variants in ASPA are known to be pathogenic (PMID: 12638939). This variant is not present in population databases (gnomAD no frequency). This variant has not been reported in the literature in individuals affected with ASPA-related conditions. For these reasons, this variant has been classified as Pathogenic.

Literature cited by the submitters: PubMed 12638939.